The following is an entry in ClinVar:

NM_001134363.3(RBM20):c.2727_2741del (p.Thr910_Val914del)

Gene: RBM20 (RNA binding motif protein 20; plus strand). Cytogenetic location: 10q25.2.
Variant type: Deletion.
Coding change: c.2727_2741del on transcript NM_001134363.3 (MANE Select); coding-DNA positions 2727 to 2741, 15 bases deleted (GACAGTGGACGAGGT).
Protein change: p.Thr910_Val914del.
Molecular consequence: inframe deletion.
Genome position (GRCh38, 1-based): chr10:110,821,346-110,821,360, GACAGTGGACGAGGT deleted; deleting any 15 consecutive bases within chr10:110,821,343-110,821,360 gives the same sequence; the c. name uses the placement nearest the transcript's 3' end. VCF-style (leftmost placement, unchanged base first): chr10-110821342-TGGTGACAGTGGACGA-T. GRCh37 (hg19) VCF-style: chr10-112581100-TGGTGACAGTGGACGA-T.
Identifiers: ClinVar variation 229194 (VCV000229194.6), dbSNP rs876657979, ClinGen allele CA10576772.

ClinVar aggregate classification (germline): Conflicting classifications of pathogenicity. Review status: criteria provided, conflicting classifications (1 of 4 stars). 2 submissions from 2 submitters: Likely pathogenic (1); Uncertain significance (1). Last evaluated 2019-10-22.

Conditions:
RBM20-related disorder. Also called: RBM20-related condition.

Submissions (2):

Blueprint Genetics
Classification: Likely pathogenic for RBM20-related disorders. Last evaluated: 2019-10-22. Review status: criteria provided, single submitter. Criteria: ACMG Guidelines, 2015. Collection method: clinical testing. Allele origin: germline. Affected: yes. Observed: 2 variant alleles.

Laboratory for Molecular Medicine, Mass General Brigham Personalized Medicine
Classification: Uncertain significance. Last evaluated: 2015-10-14. Review status: criteria provided, single submitter. Criteria: LMM Criteria. Collection method: clinical testing. Allele origin: germline. Observed: 3 variant alleles.
Comment: The p.Thr910_Val914del variant in RBM20 has not been previously reported in indi viduals with cardiomyopathy. Data from large population studies is insufficient to assess its frequency. This variant is a deletion of 5 amino acids at positio n 910-914 in exon 11. It is unclear if this deletion will impact protein functio n. In summary, the clinical significance of the p.Thr910_Val914del variant is un certain.